The following is an entry in ClinVar:

NM_015046.7(SETX):c.5941C>T (p.Leu1981=)

Gene: SETX (senataxin; minus strand). Cytogenetic location: 9q34.13.
Variant type: single nucleotide variant.
Coding change: c.5941C>T on transcript NM_015046.7 (MANE Select); coding-DNA position 5941, C replaced by T.
Protein change: p.Leu1981=; no amino-acid change (leucine 1981 retained).
Molecular consequence: synonymous variant.
Genome position (GRCh38, 1-based): chr9:132,296,895, G>A on the plus strand (C>T on the coding strand, the complement: SETX is on the minus strand). VCF-style: chr9-132296895-G-A. GRCh37 (hg19) VCF-style: chr9-135172282-G-A.
Other names: c.5941C>T (NM_015046.5); c.5941C>T, p.Leu1981= (NM_001351527.2, NM_001351528.2).
Identifiers: ClinVar variation 1582307 (VCV001582307.9), dbSNP rs373324070, ClinGen allele CA5296872.

ClinVar aggregate classification (germline): Likely benign. Review status: criteria provided, single submitter (1 of 4 stars). 2 submissions from 2 submitters: Likely benign (1). 1 of the submissions does not count toward it. Last evaluated 2024-05-08.

Conditions:
SETX-related disorder. Also called: SETX-related condition; SETX-related disorders. Identifiers: MedGen CN239403.
Amyotrophic lateral sclerosis type 4 (ALS4). Also called: NEURONOPATHY, DISTAL HEREDITARY MOTOR, WITH PYRAMIDAL FEATURES; AMYOTROPHIC LATERAL SCLEROSIS 4, JUVENILE. Identifiers: Orphanet 357043, MedGen C1865409, MONDO:0011223, OMIM 602433.
Spinocerebellar ataxia, autosomal recessive, with axonal neuropathy 2 (SCAN2). Also called: Ataxia-ocular apraxia-2; Ataxia with Oculomotor Apraxia Type 2; ATAXIA-OCULOMOTOR APRAXIA 2; Ataxia with Oculomotor Apraxia. Identifiers: Orphanet 64753, MedGen C1853761, MONDO:0018996, OMIM 606002.

Allele frequency attached by ClinVar (database versions not stated): ExAC 0.00002; gnomAD exomes 0.00002; gnomAD 0.00009 and 0.00011; TOPMed 0.00013; ESP Exome Variant Server 0.00015.
gnomAD v4.1: 38 of 1,613,898 alleles (0.0024%); highest among the groups gnomAD compares: African/African-American, 0.048%; no homozygotes.

Submissions (2):

Labcorp Genetics (formerly Invitae), Labcorp
Classification: Likely benign for Amyotrophic lateral sclerosis type 4; Spinocerebellar ataxia, autosomal recessive, with axonal neuropathy 2. Last evaluated: 2024-05-08. Review status: criteria provided, single submitter. Criteria: Invitae Variant Classification Sherloc (09022015). Collection method: clinical testing. Allele origin: germline.

PreventionGenetics, part of Exact Sciences
Classification: Likely benign for SETX-related condition. Last evaluated: 2022-12-07. Review status: no assertion criteria provided. Collection method: clinical testing. Allele origin: germline. Not counted in ClinVar's aggregate classification.
Comment: This variant is classified as likely benign based on ACMG/AMP sequence variant interpretation guidelines (Richards et al. 2015 PMID: 25741868, with internal and published modifications).